The following is an entry in ClinVar:

NM_001007228.2(SPOP):c.777C>T (p.Tyr259=)

Gene: SPOP (speckle type BTB/POZ protein; minus strand). Cytogenetic location: 17q21.33.
Variant type: single nucleotide variant.
Coding change: c.777C>T on transcript NM_001007228.2 (MANE Select); coding-DNA position 777, C replaced by T.
Protein change: p.Tyr259=; no amino-acid change (tyrosine 259 retained).
Molecular consequence: synonymous variant.
Genome position (GRCh38, 1-based): chr17:49,607,310, G>A on the plus strand (C>T on the coding strand, the complement: SPOP is on the minus strand). VCF-style: chr17-49607310-G-A. GRCh37 (hg19) VCF-style: chr17-47684672-G-A.
Other names: c.777C>T, p.Tyr259= (NM_001007226.1, NM_001007227.1, NM_001007229.1 and 5 more transcripts).
Identifiers: ClinVar variation 4874108 (VCV004874108.2).

ClinVar aggregate classification (germline): Likely benign (1 of 4 stars; one submission).

gnomAD v4.1: 3 of 1,614,068 alleles (0.00019%); highest among the groups gnomAD compares: Non-Finnish European, 0.00025%; no homozygotes.

Submission:

CeGaT Center for Human Genetics Tuebingen
Classification: Likely benign. Last evaluated: 2026-05-01. Review status: criteria provided, single submitter. Criteria: CeGaT Center For Human Genetics Tuebingen Variant Classification Criteria Version 2. Collection method: clinical testing. Allele origin: germline. Affected: yes. Observed: 1 variant allele.
Comment: SPOP: BP4, BP7